The following is an entry in ClinVar:

ClinVar aggregate classification (germline): Pathogenic (1 of 4 stars; one submission).

Conditions:
Fanconi anemia (FA). Also called: Fanconi's anemia. Identifiers: Orphanet 84, MedGen C0015625, MeSH D005199, MONDO:0019391.

Submission:

Labcorp Genetics (formerly Invitae), Labcorp
Classification: Pathogenic for Fanconi anemia. Last evaluated: 2021-07-03. Review status: criteria provided, single submitter. Criteria: Invitae Variant Classification Sherloc (09022015). Collection method: clinical testing. Allele origin: germline.
Comment: This sequence change creates a premature translational stop signal (p.Leu607Glufs*5) in the FANCA gene. It is expected to result in an absent or disrupted protein product. Loss-of-function variants in FANCA are known to be pathogenic (PMID: 19367192). This variant is not present in population databases (ExAC no frequency). This variant has not been reported in the literature in individuals affected with FANCA-related conditions. For these reasons, this variant has been classified as Pathogenic.

Literature cited by the submitters: PubMed 19367192.

NM_000135.4(FANCA):c.1819_1820del (p.Leu607fs)

Gene: FANCA (FA complementation group A; minus strand). Cytogenetic location: 16q24.3.
Variant type: Microsatellite.
Coding change: c.1819_1820del on transcript NM_000135.4 (MANE Select); coding-DNA positions 1819 to 1820, 2 bases deleted (CT; older notation c.1819_1820delCT).
Protein change: p.Leu607fs; shifts the reading frame from leucine 607.
Molecular consequence: frameshift variant.
Genome position (GRCh38, 1-based): chr16:89,778,807-89,778,808, AG deleted on the plus strand (CT on the coding strand, the reverse complement: FANCA is on the minus strand); deleting any 2 consecutive bases within chr16:89,778,807-89,778,811 gives the same sequence; the c. name uses the placement nearest the transcript's 3' end. VCF-style (leftmost placement, unchanged base first): chr16-89778806-CAG-C. GRCh37 (hg19) VCF-style: chr16-89845214-CAG-C.
Other names: c.1819_1820del, p.Leu607fs (NM_001286167.3); short protein forms L607fs.
Identifiers: ClinVar variation 1456788 (VCV001456788.6), dbSNP rs2143422286, ClinGen allele CA2580613949.
Genomic context (GRCh38, chr16:89,778,806, plus strand): 5'-GCATTGTCAGAAGAAACCTGGAAGTAGTCATCCCCTTCTAACCGTTGCTGCATACCTCTT[CAG>C]AGACTCTATAAACGCCACACGGGAGTCAGGGACTTTGGGGAGCTGTGGGAAGAGAAGAGA-3'